The following is an entry in ClinVar:

NM_001034853.2(RPGR):c.2296_2299del (p.Gly766fs)

Gene: RPGR (retinitis pigmentosa GTPase regulator; minus strand). Cytogenetic location: Xp11.4.
Variant type: Microsatellite.
Coding change: c.2296_2299del on transcript NM_001034853.2 (MANE Select); coding-DNA positions 2296 to 2299, 4 bases deleted (GGAG; older notation c.2296_2299delGGAG).
Protein change: p.Gly766fs; shifts the reading frame from glycine 766.
Molecular consequence: frameshift variant. On other transcripts: intron variant (8).
Genome position (GRCh38, 1-based): chrX:38,286,700-38,286,703, CTCC deleted on the plus strand (GGAG on the coding strand, the reverse complement: RPGR is on the minus strand); deleting any 4 consecutive bases within chrX:38,286,700-38,286,707 gives the same sequence; the c. name uses the placement nearest the transcript's 3' end. VCF-style (leftmost placement, unchanged base first): chrX-38286699-TCTCC-T. GRCh37 (hg19) VCF-style: chrX-38145952-TCTCC-T.
Other names: c.1569+4256_1569+4259del (NM_001367249.1, NM_001367250.1); c.1902+391_1902+394del (NM_001367245.1); c.1386+4256_1386+4259del (NM_001367251.1); c.1719+391_1719+394del (NM_001367246.1); c.1572+4256_1572+4259del (NM_001367247.1); c.1905+391_1905+394del (NM_000328.3); c.1602+4256_1602+4259del (NM_001367248.1); short protein forms G766fs.
Identifiers: ClinVar variation 866644 (VCV000866644.7), dbSNP rs2067186632, ClinGen allele CA916083904.
Genomic context (GRCh38, chrX:38,286,699, plus strand): 5'-CCTTTCTCCTCCTTCCCCGCTCTTTCCTCCTTTTTCCTCTCTCCTTCCTCCTTTTCACGT[TCTCC>T]CTCCACTTCTTCCCCTTCTCCTTCCTCTTTCCCTTCTCCCTCCTTCTCTTCTTCCTCTTC-3'

ClinVar aggregate classification (germline): Pathogenic/Likely pathogenic. Review status: criteria provided, multiple submitters, no conflicts (2 of 4 stars). 5 submissions from 4 submitters: Pathogenic (3); Likely pathogenic (1). 1 of the submissions does not count toward it. Last evaluated 2025-02-12.

Conditions:
Retinitis pigmentosa (RP). Identifiers: Orphanet 791, MedGen C0035334, MeSH D012174, MONDO:0019200, OMIM 268000. Inheritance: Autosomal dominant, autosomal recessive and X linked inheritance.
Retinal dystrophy. Also called: Inherited retinal dystrophy. Identifiers: Orphanet 71862, MedGen C0854723, MeSH D058499, MONDO:0019118, HP:0000556.
Retinitis pigmentosa 3. Also called: CHOROIDORETINAL DEGENERATION WITH RETINAL REFLEX IN HETEROZYGOUS WOMEN. Identifiers: Orphanet 791, MedGen C1845667, MONDO:0010227, OMIM 300029.

Submissions (5):

3billion
Classification: Pathogenic for Retinitis pigmentosa 3. Last evaluated: 2025-02-12. Review status: criteria provided, single submitter. Criteria: ACMG Guidelines, 2015. Collection method: clinical testing. Allele origin: germline. Affected: yes.
Comment: The variant is not observed in the gnomAD v4.1.0 dataset. Predicted Consequence/Location: Frameshift: predicted to result in a loss or disruption of normal protein function through protein truncation. Multiple pathogenic variants are reported in the predicted truncated region. Functional studies provide moderate evidence of the variant having a damaging effect on the gene or gene product (PMID: 33355362). The variant has been reported at least twice as pathogenic without evidence for the classification (ClinVar ID: VCV000866644). Therefore, this variant is classified as Pathogenic according to the recommendation of ACMG/AMP guideline.

GeneDx
Classification: Pathogenic. Last evaluated: 2022-03-15. Review status: criteria provided, single submitter. Criteria: GeneDx Variant Classification Process June 2021. Collection method: clinical testing. Allele origin: germline. Affected: yes.
Comment: Frameshift variant predicted to result in protein truncation or nonsense mediated decay in a gene for which loss-of-function is a known mechanism of disease; Not observed at significant frequency in large population cohorts (gnomAD); This variant is associated with the following publications: (PMID: 32036094, 22807293, 17898302, 33355362)

Broad Center for Mendelian Genomics, Broad Institute of MIT and Harvard
Classification: Likely pathogenic for Retinitis pigmentosa. Last evaluated: 2021-04-01. Review status: criteria provided, single submitter. Criteria: ACMG Guidelines, 2015. Collection method: curation. Allele origin: germline. Inheritance: X-linked inheritance. Affected: yes.
Comment: Through a review of available evidence we were able to apply the following criteria: PVS1, PM2. Based on this evidence we have classified this variant as Likely Pathogenic. If you have any questions about the classification please reach out to the Pierce Lab.

Blueprint Genetics
Classification: Pathogenic for Retinal dystrophy. Last evaluated: 2019-07-16. Review status: criteria provided, single submitter. Criteria: Blueprint Genetics Variant Classification Scheme. Collection method: clinical testing. Allele origin: germline. Affected: yes.

Blueprint Genetics
Classification: Pathogenic for Retinitis pigmentosa 3. Review status: no assertion criteria provided. Collection method: clinical testing. Allele origin: germline. Affected: yes. Not counted in ClinVar's aggregate classification.

Literature cited by the submitters: PubMed 33355362 (cited by 3billion); PubMed 34906470 (cited by Broad Center for Mendelian Genomics, Broad Institute of MIT and Harvard).